The following is an entry in ClinVar:

ClinVar aggregate classification (germline): Benign/Likely benign. Review status: criteria provided, multiple submitters, no conflicts (2 of 4 stars). 2 submissions from 2 submitters: Benign (1); Likely benign (1). Last evaluated 2025-04-07.

Conditions:
Tuberous sclerosis 1 (TSC1). Identifiers: Orphanet 805, MedGen C1854465, MONDO:0008612, OMIM 191100.

Submissions (2):

Myriad Genetics, Inc.
Classification: Benign for Tuberous sclerosis 1. Last evaluated: 2025-04-07. Review status: criteria provided, single submitter. Criteria: Myriad Autosomal Dominant, Autosomal Recessive and X-Linked Classification Criteria (2023). Collection method: clinical testing. Allele origin: unknown.
Comment: This variant is considered benign. This variant is a silent/synonymous amino acid change and it is not expected to impact splicing.

Labcorp Genetics (formerly Invitae), Labcorp
Classification: Likely benign for Tuberous sclerosis 1. Last evaluated: 2023-11-22. Review status: criteria provided, single submitter. Criteria: Invitae Variant Classification Sherloc (09022015). Collection method: clinical testing. Allele origin: germline.

NM_000368.5(TSC1):c.171A>T (p.Ala57=)

Gene: TSC1 (TSC complex subunit 1; minus strand). Cytogenetic location: 9q34.13.
Variant type: single nucleotide variant.
Coding change: c.171A>T on transcript NM_000368.5 (MANE Select); coding-DNA position 171, A replaced by T.
Protein change: p.Ala57=; no amino-acid change (alanine 57 retained).
Molecular consequence: synonymous variant. On other transcripts: 5 prime UTR variant (9), non-coding transcript variant (4), intron variant (9).
Genome position (GRCh38, 1-based): chr9:132,927,240, T>A on the plus strand (A>T on the coding strand, the complement: TSC1 is on the minus strand). VCF-style: chr9-132927240-T-A. GRCh37 (hg19) VCF-style: chr9-135802627-T-A.
Other names: c.171A>T, p.Ala57= (NM_001162426.2, NM_001162427.2, NM_001406592.1 and 21 more transcripts); c.-318A>T (NM_001406615.1, NM_001406623.1); c.-285A>T (NM_001406616.1, NM_001406624.1); c.-707A>T (NM_001406626.1, NM_001406627.1, NM_001406628.1); c.-849A>T (NM_001406629.1); c.-923A>T (NM_001406630.1); c.-153-1501A>T (NM_001406620.1, NM_001406618.1, NM_001406625.1 and 5 more transcripts); c.-245-1501A>T (NM_001406614.1).
Identifiers: ClinVar variation 2698118 (VCV002698118.4), dbSNP rs1060504853, ClinGen allele CA467594269.